The following is an entry in ClinVar:

ClinVar aggregate classification (germline): Uncertain significance (1 of 4 stars; one submission).

Conditions:
Achromatopsia 3 (ACHM3). Also called: TOTAL COLORBLINDNESS WITH MYOPIA; ROD MONOCHROMACY 1; ROD MONOCHROMATISM 1; ACHROMATOPSIA WITH MYOPIA; PINGELAPESE BLINDNESS. Identifiers: Orphanet 49382, MedGen C1849792, MONDO:0009875, OMIM 262300.

Submission:

Diagnostics Services (NGS), CSIR - Centre For Cellular And Molecular Biology
Classification: Uncertain significance for Achromatopsia 3. Last evaluated: 2024-11-14. Review status: criteria provided, single submitter. Criteria: ACMG Guidelines, 2015. Collection method: clinical testing. Allele origin: germline. Affected: yes. Observed: 1 variant allele, 1 homozygote.
Comment: The c.1096_1104del variant is not present in publicly available population databases like 1000 Genomes, EVS, ExAC, gnomAD and our in-house exome database. The variant is present in the Indian Exome Database at a low frequency. This variant has neither been published in literature with CNGB3-related conditions nor reported to the clinical databases like ClinVar, Human Gene Mutation Database (HGMD) or OMIM, in any affected individuals. Predictions from different in-silico pathogenicity prediction programs are inconclusive. This variant is located in a non-repeat region of the gene that causes change in protein length by in-frame deletion of 3 amino acids.

NM_019098.5(CNGB3):c.1096_1104del (p.Ile366_Ala368del)

Gene: CNGB3 (cyclic nucleotide gated channel subunit beta 3; minus strand). Cytogenetic location: 8q21.3.
Variant type: Deletion.
Coding change: c.1096_1104del on transcript NM_019098.5 (MANE Select); coding-DNA positions 1096 to 1104, 9 bases deleted (ATTAATGCC; older notation c.1096_1104delATTAATGCC).
Protein change: p.Ile366_Ala368del.
Genome position (GRCh38, 1-based): chr8:86,643,825-86,643,833, GGCATTAAT deleted on the plus strand (ATTAATGCC on the coding strand, the reverse complement: CNGB3 is on the minus strand); deleting any 9 consecutive bases within chr8:86,643,825-86,643,834 gives the same sequence; the c. name uses the placement nearest the transcript's 3' end. VCF-style (leftmost placement, unchanged base first): chr8-86643824-AGGCATTAAT-A. GRCh37 (hg19) VCF-style: chr8-87656052-AGGCATTAAT-A.
Identifiers: ClinVar variation 3383363 (VCV003383363.1).